The following is an entry in ClinVar:

ClinVar aggregate classification (germline): Uncertain significance (1 of 4 stars; one submission).

Submission:

Labcorp Genetics (formerly Invitae), Labcorp
Classification: Uncertain significance. Last evaluated: 2025-04-21. Review status: criteria provided, single submitter. Criteria: Invitae Variant Classification Sherloc (09022015). Collection method: clinical testing. Allele origin: germline.
Comment: This sequence change replaces asparagine, which is neutral and polar, with serine, which is neutral and polar, at codon 446 of the ERBIN protein (p.Asn446Ser). This variant is not present in population databases (gnomAD no frequency). This variant has not been reported in the literature in individuals affected with ERBIN-related conditions. An algorithm developed to predict the effect of missense changes on protein structure and function (PolyPhen-2) suggests that this variant is likely to be disruptive. In summary, the available evidence is currently insufficient to determine the role of this variant in disease. Therefore, it has been classified as a Variant of Uncertain Significance.

NM_001253697.2(ERBIN):c.1337A>G (p.Asn446Ser)

Gene: ERBIN (erbb2 interacting protein; plus strand). Cytogenetic location: 5q12.3.
Variant type: single nucleotide variant.
Coding change: c.1337A>G on transcript NM_001253697.2 (MANE Select); coding-DNA position 1337, A replaced by G.
Protein change: p.Asn446Ser; replaces asparagine 446 with serine.
Molecular consequence: missense variant.
Genome position (GRCh38, 1-based): chr5:66,043,107, A>G. VCF-style: chr5-66043107-A-G. GRCh37 (hg19) VCF-style: chr5-65338935-A-G.
Other names: c.1337A>G, p.Asn446Ser (NM_001006600.3, NM_001253698.2, NM_001253699.2 and 2 more transcripts); short protein forms N446S.
Identifiers: ClinVar variation 4768973 (VCV004768973.1).